The following is an entry in ClinVar:

ClinVar aggregate classification (germline): Uncertain significance. Review status: criteria provided, multiple submitters, no conflicts (2 of 4 stars). 3 submissions from 3 submitters: Uncertain significance (3). Last evaluated 2025-03-13.

Conditions:
Walker-Warburg congenital muscular dystrophy. Also called: Muscular dystrophy-dystroglycanopathy, type A; Walker-Warburg syndrome. Identifiers: Orphanet 899, MedGen C0265221, MONDO:0000171.

Allele frequency attached by ClinVar (database versions not stated): TOPMed below 0.00001; gnomAD 0.00001.
gnomAD v4.1: 6 of 1,441,982 alleles (0.00042%); highest among the groups gnomAD compares: Admixed American, 0.0027%; no homozygotes.

Submissions (3):

GeneDx
Classification: Uncertain significance. Last evaluated: 2025-03-13. Review status: criteria provided, single submitter. Criteria: GeneDx Variant Classification Process June 2021. Collection method: clinical testing. Allele origin: germline. Affected: yes.
Comment: Not observed at significant frequency in large population cohorts (gnomAD); Missense variants in this gene are a common cause of disease and they are underrepresented in the general population; In silico analysis supports that this missense variant has a deleterious effect on protein structure/function; Has not been previously published as pathogenic or benign to our knowledge; This variant is associated with the following publications: (PMID: 27439679)

Revvity Omics, Revvity
Classification: Uncertain significance. Last evaluated: 2024-02-05. Review status: criteria provided, single submitter. Criteria: ACMG Guidelines, 2015. Collection method: clinical testing. Allele origin: germline.

Labcorp Genetics (formerly Invitae), Labcorp
Classification: Uncertain significance for Walker-Warburg congenital muscular dystrophy. Last evaluated: 2023-05-08. Review status: criteria provided, single submitter. Criteria: Invitae Variant Classification Sherloc (09022015). Collection method: clinical testing. Allele origin: germline.
Comment: In summary, the available evidence is currently insufficient to determine the role of this variant in disease. Therefore, it has been classified as a Variant of Uncertain Significance. Advanced modeling of protein sequence and biophysical properties (such as structural, functional, and spatial information, amino acid conservation, physicochemical variation, residue mobility, and thermodynamic stability) performed at Invitae indicates that this missense variant is expected to disrupt FKRP protein function. ClinVar contains an entry for this variant (Variation ID: 2147523). This variant has not been reported in the literature in individuals affected with FKRP-related conditions. This variant is present in population databases (no rsID available, gnomAD 0.008%). This sequence change replaces arginine, which is basic and polar, with glycine, which is neutral and non-polar, at codon 264 of the FKRP protein (p.Arg264Gly).

NM_024301.5(FKRP):c.790C>G (p.Arg264Gly)

Gene: FKRP (fukutin related protein; plus strand). Cytogenetic location: 19q13.32.
Variant type: single nucleotide variant.
Coding change: c.790C>G on transcript NM_024301.5 (MANE Select); coding-DNA position 790, C replaced by G.
Protein change: p.Arg264Gly; replaces arginine 264 with glycine.
Molecular consequence: missense variant.
Genome position (GRCh38, 1-based): chr19:46,756,240, C>G. VCF-style: chr19-46756240-C-G. GRCh37 (hg19) VCF-style: chr19-47259497-C-G.
Other names: c.790C>G, p.Arg264Gly (NM_001039885.3); c.790C>G (NM_024301.4); short protein forms R264G.
Identifiers: ClinVar variation 2147523 (VCV002147523.5), dbSNP rs1333162240, ClinGen allele CA406496021.